The following is an entry in ClinVar:

ClinVar aggregate classification (germline): Uncertain significance (1 of 4 stars; one submission).

Submission:

Labcorp Genetics (formerly Invitae), Labcorp
Classification: Uncertain significance. Last evaluated: 2022-09-15. Review status: criteria provided, single submitter. Criteria: Invitae Variant Classification Sherloc (09022015). Collection method: clinical testing. Allele origin: germline.
Comment: In summary, the available evidence is currently insufficient to determine the role of this variant in disease. Therefore, it has been classified as a Variant of Uncertain Significance. Advanced modeling of protein sequence and biophysical properties (such as structural, functional, and spatial information, amino acid conservation, physicochemical variation, residue mobility, and thermodynamic stability) performed at Invitae indicates that this missense variant is not expected to disrupt SLC4A1 protein function. This variant has not been reported in the literature in individuals affected with SLC4A1-related conditions. This variant is not present in population databases (gnomAD no frequency). This sequence change replaces leucine, which is neutral and non-polar, with methionine, which is neutral and non-polar, at codon 406 of the SLC4A1 protein (p.Leu406Met).

NM_000342.4(SLC4A1):c.1216C>A (p.Leu406Met)

Gene: SLC4A1 (solute carrier family 4 member 1 (Diego blood group); minus strand). Cytogenetic location: 17q21.31.
Variant type: single nucleotide variant.
Coding change: c.1216C>A on transcript NM_000342.4 (MANE Select); coding-DNA position 1216, C replaced by A.
Protein change: p.Leu406Met; replaces leucine 406 with methionine.
Molecular consequence: missense variant.
Genome position (GRCh38, 1-based): chr17:44,258,052, G>T on the plus strand (C>A on the coding strand, the complement: SLC4A1 is on the minus strand). VCF-style: chr17-44258052-G-T. GRCh37 (hg19) VCF-style: chr17-42335420-G-T.
Other names: short protein forms L406M.
Identifiers: ClinVar variation 1912818 (VCV001912818.5), dbSNP rs2509966585, ClinGen allele CA399788143.